The following is an entry in ClinVar:

ClinVar aggregate classification (germline): Likely pathogenic. Review status: criteria provided, single submitter (1 of 4 stars). 2 submissions from 2 submitters: Likely pathogenic (1). 1 of the submissions does not count toward it. Last evaluated 2018-05-02.

Conditions:
Noonan syndrome (NS). Also called: Noonan's syndrome. Identifiers: Orphanet 648, MedGen C0028326, MeSH D009634, MONDO:0018997. Disease mechanism: gain of function.

Submissions (2):

GeneDx
Classification: Likely pathogenic. Last evaluated: 2018-05-02. Review status: criteria provided, single submitter. Criteria: GeneDx Variant Classification (06012015). Collection method: clinical testing. Allele origin: germline. Affected: yes.
Comment: The L489F variant has not been published as a pathogenic variant, nor has it been reported as a benign variant to our knowledge. The L489F variant is not observed in large population cohorts (Lek et al., 2016). The L489F variant is a conservative amino acid substitution, which is not likely to impact secondary protein structure as these residues share similar properties. In-silico analyses, including protein predictors and evolutionary conservation, support a deleterious effect. Pathogenic and likely pathogenic missense variants in nearby residues (D486N, D486G, T491R, T491I) have been reported in the Human Gene Mutation Database in association with BRAF-related disorders (Stenson et al., 2014). In summary, based on the currently available information, this variant is likely pathogenic.

Service de Génétique Moléculaire, Hôpital Robert Debré
Classification: Uncertain significance for Noonan syndrome. Review status: no assertion criteria provided. Collection method: clinical testing. Allele origin: paternal. Affected: yes. Not counted in ClinVar's aggregate classification.

NM_002880.4(RAF1):c.1467G>T (p.Leu489Phe)

Gene: RAF1 (Raf-1 proto-oncogene, serine/threonine kinase; minus strand). Cytogenetic location: 3p25.2.
Variant type: single nucleotide variant.
Coding change: c.1467G>T on transcript NM_002880.4 (MANE Select); coding-DNA position 1467, G replaced by T.
Protein change: p.Leu489Phe; replaces leucine 489 with phenylalanine.
Molecular consequence: missense variant. On other transcripts: non-coding transcript variant (3).
Genome position (GRCh38, 1-based): chr3:12,585,750, C>A on the plus strand (G>T on the coding strand, the complement: RAF1 is on the minus strand). VCF-style: chr3-12585750-C-A. GRCh37 (hg19) VCF-style: chr3-12627249-C-A.
Other names: c.1527G>T, p.Leu509Phe (NM_001354689.3); c.1467G>T, p.Leu489Phe (NM_001354690.3); c.1224G>T, p.Leu408Phe (NM_001354691.3, NM_001354692.3); c.1368G>T, p.Leu456Phe (NM_001354693.3); c.1284G>T, p.Leu428Phe (NM_001354694.3); c.1125G>T, p.Leu375Phe (NM_001354695.3); short protein forms L489F, L509F, L375F, L408F, L428F, L456F.
Identifiers: ClinVar variation 546285 (VCV000546285.3), dbSNP rs1553610155, ClinGen allele CA351499117.